The following is an entry in ClinVar:

ClinVar aggregate classification (germline): Uncertain significance (1 of 4 stars; one submission).

Conditions:
Familial cold autoinflammatory syndrome 2 (FCAS2). Identifiers: Orphanet 247868, MedGen C2673198, MONDO:0012724, OMIM 611762.

Allele frequency attached by ClinVar (database versions not stated): TOPMed below 0.00001; ExAC 0.00001; gnomAD 0.00001; gnomAD exomes 0.00002.
gnomAD v4.1: 29 of 1,613,908 alleles (0.0018%); highest among the groups gnomAD compares: Non-Finnish European, 0.0024%; no homozygotes.

Submission:

Labcorp Genetics (formerly Invitae), Labcorp
Classification: Uncertain significance for Familial cold autoinflammatory syndrome 2. Last evaluated: 2023-01-01. Review status: criteria provided, single submitter. Criteria: Invitae Variant Classification Sherloc (09022015). Collection method: clinical testing. Allele origin: germline.
Comment: In summary, the available evidence is currently insufficient to determine the role of this variant in disease. Therefore, it has been classified as a Variant of Uncertain Significance. ClinVar contains an entry for this variant (Variation ID: 852671). This variant has not been reported in the literature in individuals affected with NLRP12-related conditions. This variant is present in population databases (rs757979953, gnomAD 0.004%). This sequence change creates a premature translational stop signal (p.Gln458*) in the NLRP12 gene. It is expected to result in an absent or disrupted protein product. However, the current clinical and genetic evidence is not sufficient to establish whether loss-of-function variants in NLRP12 cause disease.

NM_144687.4(NLRP12):c.1372C>T (p.Gln458Ter)

Gene: NLRP12 (NLR family pyrin domain containing 12; minus strand). Cytogenetic location: 19q13.42.
Variant type: single nucleotide variant.
Coding change: c.1372C>T on transcript NM_144687.4 (MANE Select); coding-DNA position 1372, C replaced by T.
Protein change: p.Gln458Ter; replaces glutamine 458 with a stop codon.
Molecular consequence: nonsense.
Genome position (GRCh38, 1-based): chr19:53,810,287, G>A on the plus strand (C>T on the coding strand, the complement: NLRP12 is on the minus strand). VCF-style: chr19-53810287-G-A. GRCh37 (hg19) VCF-style: chr19-54313541-G-A.
Other names: c.1372C>T, p.Gln458Ter (NM_001277126.2, NM_001277129.1); short protein forms Q458*.
Identifiers: ClinVar variation 852671 (VCV000852671.5), dbSNP rs757979953, ClinGen allele CA9639436.
Genomic context (GRCh38, chr19:53,810,287, plus strand): 5'-CCTCAAATAGGATTTTCTGATTCCAGAGCCCATCTGCCGCCAAGGAGCACAACCCTCTCT[G>A]GTTGGGTGGGGGCTGGAGGCGCGGGGCCCCCGGCTTGGGTTGCATCAGACTCAGCAGGTA-3'